The following is an entry in ClinVar:

NM_014946.4(SPAST):c.427G>T (p.Glu143Ter)

Gene: SPAST (spastin; plus strand). Cytogenetic location: 2p22.3.
Variant type: single nucleotide variant.
Coding change: c.427G>T on transcript NM_014946.4 (MANE Select); coding-DNA position 427, G replaced by T.
Protein change: p.Glu143Ter; replaces glutamic acid 143 with a stop codon.
Molecular consequence: nonsense.
Genome position (GRCh38, 1-based): chr2:32,087,503, G>T. VCF-style: chr2-32087503-G-T. GRCh37 (hg19) VCF-style: chr2-32312572-G-T.
Other names: c.424G>T, p.Glu142Ter (NM_001363823.2, NM_001363875.2); c.427G>T, p.Glu143Ter (NM_001377959.1, NM_199436.2); short protein forms E142*, E143*.
Identifiers: ClinVar variation 3381952 (VCV003381952.2).

ClinVar aggregate classification (germline): Pathogenic (1 of 4 stars; one submission).

Conditions:
Hereditary spastic paraplegia 4. Also called: Spastic Paraplegia 4; Familial spastic paraplegia autosomal dominant 2; Spastic paraplegia 4, autosomal dominant. Identifiers: Orphanet 100985, MedGen C1866855, MONDO:0008438, OMIM 182601.

Submission:

Juno Genomics, Hangzhou Juno Genomics, Inc
Classification: Pathogenic for Hereditary spastic paraplegia 4. Review status: criteria provided, single submitter. Criteria: ACMG Guidelines, 2015. Collection method: clinical testing. Allele origin: germline. Affected: yes.
Comment: Null variant in a gene where loss of function (LOF) is a known mechanism of disease.;Absent from controls (or at extremely low frequency if recessive) in Genome Aggregation Database, Exome Sequencing Project, 1000 Genomes Project, or Exome Aggregation Consortium.;The prevalence of the variant in affected individuals is significantly increased compared to the prevalence in controls.